The following is an entry in ClinVar:

NM_000081.4(LYST):c.6565G>A (p.Asp2189Asn)

Gene: LYST (lysosomal trafficking regulator; minus strand). Cytogenetic location: 1q42.3.
Variant type: single nucleotide variant.
Coding change: c.6565G>A on transcript NM_000081.4 (MANE Select); coding-DNA position 6565, G replaced by A.
Protein change: p.Asp2189Asn; replaces aspartic acid 2189 with asparagine.
Molecular consequence: missense variant.
Genome position (GRCh38, 1-based): chr1:235,759,288, C>T on the plus strand (G>A on the coding strand, the complement: LYST is on the minus strand). VCF-style: chr1-235759288-C-T. GRCh37 (hg19) VCF-style: chr1-235922588-C-T.
Other names: c.6565G>A, p.Asp2189Asn (NM_001301365.1); short protein forms D2189N.
Identifiers: ClinVar variation 1931636 (VCV001931636.5), dbSNP rs1667345929, ClinGen allele CA344940907.

ClinVar aggregate classification (germline): Uncertain significance (1 of 4 stars; one submission).

Conditions:
Chédiak-Higashi syndrome (CHS). Also called: Chediak-Higashi Syndrome. Identifiers: Orphanet 167, MedGen C0007965, MONDO:0008963, OMIM 214500.

Allele frequency attached by ClinVar (database versions not stated): gnomAD exomes below 0.00001.
gnomAD v4.1: 1 of 1,614,168 alleles (0.000062%); highest among the groups gnomAD compares: Middle Eastern, 0.017%; no homozygotes.

Submission:

Labcorp Genetics (formerly Invitae), Labcorp
Classification: Uncertain significance for Chédiak-Higashi syndrome. Last evaluated: 2022-10-24. Review status: criteria provided, single submitter. Criteria: Invitae Variant Classification Sherloc (09022015). Collection method: clinical testing. Allele origin: germline.
Comment: In summary, the available evidence is currently insufficient to determine the role of this variant in disease. Therefore, it has been classified as a Variant of Uncertain Significance. Advanced modeling of protein sequence and biophysical properties (such as structural, functional, and spatial information, amino acid conservation, physicochemical variation, residue mobility, and thermodynamic stability) performed at Invitae indicates that this missense variant is not expected to disrupt LYST protein function. This variant is not present in population databases (gnomAD no frequency). This sequence change replaces aspartic acid, which is acidic and polar, with asparagine, which is neutral and polar, at codon 2189 of the LYST protein (p.Asp2189Asn). This variant has not been reported in the literature in individuals affected with LYST-related conditions.